The following is an entry in ClinVar:

NC_000021.8:g.(?_44485540)_(44485959_?)dup

Gene: CBS (cystathionine beta-synthase; minus strand). Cytogenetic location: 21q22.3.
Variant type: Duplication.
Identifiers: ClinVar variation 3248157 (VCV003248157.1).

ClinVar aggregate classification (germline): Pathogenic (1 of 4 stars; one submission).

Conditions:
HYPERHOMOCYSTEINEMIA, THROMBOTIC, CBS-RELATED. Identifiers: MedGen C3150344, OMIM 236200.

Submission:

Labcorp Genetics (formerly Invitae), Labcorp
Classification: Pathogenic for HYPERHOMOCYSTEINEMIA, THROMBOTIC, CBS-RELATED. Last evaluated: 2018-03-05. Review status: criteria provided, single submitter. Criteria: Invitae Variant Classification Sherloc (09022015). Collection method: clinical testing. Allele origin: unknown.
Comment: For these reasons, this variant has been classified as Pathogenic. This variant is a gross duplication of the genomic region encompassing part of intron 5, exon 6 and the first 93 nucleotides of exon 7 of the CBS gene (c.452-154_623dup). This results in the insertion of a premature translational stop signal and is expected to result in an absent or disrupted protein product. This variant has not been reported in the literature in individuals with CBS-related disease. Loss-of-function variants in CBS are known to be pathogenic (PMID: 10338090, 12124992).

Literature cited by the submitters: PubMed 10338090; PubMed 12124992.